The following is an entry in ClinVar:

NM_004329.3(BMPR1A):c.647C>A (p.Ser216Tyr)

Gene: BMPR1A (bone morphogenetic protein receptor type 1A; plus strand). Cytogenetic location: 10q23.2.
Variant type: single nucleotide variant.
Coding change: c.647C>A on transcript NM_004329.3 (MANE Select); coding-DNA position 647, C replaced by A.
Protein change: p.Ser216Tyr; replaces serine 216 with tyrosine.
Molecular consequence: missense variant. On other transcripts: non-coding transcript variant (3), intron variant (1).
Genome position (GRCh38, 1-based): chr10:86,912,356, C>A. VCF-style: chr10-86912356-C-A. GRCh37 (hg19) VCF-style: chr10-88672113-C-A.
Other names: c.722C>A, p.Ser241Tyr (NM_001406559.1); c.695C>A, p.Ser232Tyr (NM_001406560.1); c.647C>A, p.Ser216Tyr (NM_001406561.1, NM_001406562.1, NM_001406563.1 and 20 more transcripts); c.563C>A, p.Ser188Tyr (NM_001406585.1, NM_001406586.1, NM_001406587.1 and 2 more transcripts); c.334-4778C>A (NM_001406589.1); short protein forms S241Y, S216Y, S232Y, S188Y.
Identifiers: ClinVar variation 2824641 (VCV002824641.3), dbSNP rs2539574257, ClinGen allele CA377455045.

ClinVar aggregate classification (germline): Uncertain significance (1 of 4 stars; one submission).

Conditions:
Juvenile polyposis syndrome (JPS). Identifiers: Orphanet 2929, MedGen C0345893, MONDO:0017380, OMIM 174900.

Submission:

Labcorp Genetics (formerly Invitae), Labcorp
Classification: Uncertain significance for Juvenile polyposis syndrome. Last evaluated: 2022-12-29. Review status: criteria provided, single submitter. Criteria: Invitae Variant Classification Sherloc (09022015). Collection method: clinical testing. Allele origin: germline.
Comment: In summary, the available evidence is currently insufficient to determine the role of this variant in disease. Therefore, it has been classified as a Variant of Uncertain Significance. Advanced modeling of protein sequence and biophysical properties (such as structural, functional, and spatial information, amino acid conservation, physicochemical variation, residue mobility, and thermodynamic stability) performed at Invitae indicates that this missense variant is not expected to disrupt BMPR1A protein function. This variant has not been reported in the literature in individuals affected with BMPR1A-related conditions. This variant is not present in population databases (gnomAD no frequency). This sequence change replaces serine, which is neutral and polar, with tyrosine, which is neutral and polar, at codon 216 of the BMPR1A protein (p.Ser216Tyr).